The following is an entry in ClinVar:

ClinVar aggregate classification (germline): Conflicting classifications of pathogenicity. Review status: criteria provided, conflicting classifications (1 of 4 stars). 5 submissions from 5 submitters: Uncertain significance (3); Likely benign (1). 1 of the submissions does not count toward it. Last evaluated 2024-08-20.

Conditions:
Fanconi anemia complementation group C (FANCC). Also called: FANCONI PANCYTOPENIA, TYPE 3; FACC; FANCC-Related Fanconi Anemia; Fanconi anemia, group C. Identifiers: Orphanet 84, MedGen C3468041, MONDO:0009213, OMIM 227645.
Hereditary cancer-predisposing syndrome. Also called: Neoplastic Syndromes, Hereditary; Tumor predisposition; Hereditary Cancer Syndrome; Hereditary neoplastic syndrome. Identifiers: Orphanet 140162, MedGen C0027672, MeSH D009386, MONDO:0015356.
Fanconi anemia (FA). Also called: Fanconi's anemia. Identifiers: Orphanet 84, MedGen C0015625, MeSH D005199, MONDO:0019391.

Allele frequency attached by ClinVar (database versions not stated): ExAC 0.00001; gnomAD 0.00001 and 0.00003; TOPMed 0.00001; gnomAD exomes 0.00002 and 0.00003; ESP Exome Variant Server 0.00008.
gnomAD v4.1: 51 of 1,612,156 alleles (0.0032%); highest among the groups gnomAD compares: Non-Finnish European, 0.0043%; no homozygotes.

Submissions (5):

Ambry Genetics
Classification: Likely benign for Hereditary cancer-predisposing syndrome. Last evaluated: 2024-08-20. Review status: criteria provided, single submitter. Criteria: Ambry Variant Classification Scheme 2023. Collection method: clinical testing. Allele origin: germline.

Fulgent Genetics
Classification: Uncertain significance for Fanconi anemia complementation group C. Last evaluated: 2024-03-24. Review status: criteria provided, single submitter. Criteria: ACMG Guidelines, 2015. Collection method: clinical testing. Allele origin: germline.

Labcorp Genetics (formerly Invitae), Labcorp
Classification: Uncertain significance for Fanconi anemia. Last evaluated: 2024-03-14. Review status: criteria provided, single submitter. Criteria: Invitae Variant Classification Sherloc (09022015). Collection method: clinical testing. Allele origin: germline.
Comment: This sequence change replaces threonine, which is neutral and polar, with isoleucine, which is neutral and non-polar, at codon 59 of the FANCC protein (p.Thr59Ile). This variant is present in population databases (rs149566909, gnomAD 0.003%). This variant has not been reported in the literature in individuals affected with FANCC-related conditions. ClinVar contains an entry for this variant (Variation ID: 820047). Advanced modeling of protein sequence and biophysical properties (such as structural, functional, and spatial information, amino acid conservation, physicochemical variation, residue mobility, and thermodynamic stability) performed at Invitae indicates that this missense variant is not expected to disrupt FANCC protein function with a negative predictive value of 80%. In summary, the available evidence is currently insufficient to determine the role of this variant in disease. Therefore, it has been classified as a Variant of Uncertain Significance.

GeneDx
Classification: Uncertain significance. Last evaluated: 2022-06-26. Review status: criteria provided, single submitter. Criteria: GeneDx Variant Classification Process June 2021. Collection method: clinical testing. Allele origin: germline. Affected: yes.
Comment: Not observed at significant frequency in large population cohorts (gnomAD); In silico analysis supports that this missense variant has a deleterious effect on protein structure/function; Has not been previously published as pathogenic or benign to our knowledge; This variant is associated with the following publications: (PMID: Gordon2000[Book])

Natera, Inc.
Classification: Uncertain significance for Fanconi anemia. Last evaluated: 2018-11-18. Review status: no assertion criteria provided. Collection method: clinical testing. Allele origin: germline. Not counted in ClinVar's aggregate classification.

NM_000136.3(FANCC):c.176C>T (p.Thr59Ile)

Gene: FANCC (FA complementation group C; minus strand). Cytogenetic location: 9q22.32.
Variant type: single nucleotide variant.
Coding change: c.176C>T on transcript NM_000136.3 (MANE Select); coding-DNA position 176, C replaced by T.
Protein change: p.Thr59Ile; replaces threonine 59 with isoleucine.
Molecular consequence: missense variant.
Genome position (GRCh38, 1-based): chr9:95,247,506, G>A on the plus strand (C>T on the coding strand, the complement: FANCC is on the minus strand). VCF-style: chr9-95247506-G-A. GRCh37 (hg19) VCF-style: chr9-98009788-G-A.
Other names: c.176C>T, p.Thr59Ile (NM_001243743.2, NM_001243744.2); short protein forms T59I.
Identifiers: ClinVar variation 820047 (VCV000820047.22), dbSNP rs149566909, ClinGen allele CA5137809.